The following is an entry in ClinVar:

NM_030632.3(ASXL3):c.6000T>C (p.Asp2000=)

Gene: ASXL3 (ASXL transcriptional regulator 3; plus strand). Cytogenetic location: 18q12.1.
Variant type: single nucleotide variant.
Coding change: c.6000T>C on transcript NM_030632.3 (MANE Select); coding-DNA position 6000, T replaced by C.
Protein change: p.Asp2000=; no amino-acid change (aspartic acid 2000 retained).
Molecular consequence: synonymous variant.
Genome position (GRCh38, 1-based): chr18:33,745,848, T>C. VCF-style: chr18-33745848-T-C. GRCh37 (hg19) VCF-style: chr18-31325812-T-C.
Identifiers: ClinVar variation 4681782 (VCV004681782.5).

ClinVar aggregate classification (germline): Likely benign (1 of 4 stars; one submission).

Submission:

CeGaT Center for Human Genetics Tuebingen
Classification: Likely benign. Last evaluated: 2026-08-01. Review status: criteria provided, single submitter. Criteria: CeGaT Center For Human Genetics Tuebingen Variant Classification Criteria Version 2. Collection method: clinical testing. Allele origin: germline. Affected: yes. Observed: 2 variant alleles.
Comment: ASXL3: PM2:Supporting, BP4, BP7